The following is an entry in ClinVar:

ClinVar aggregate classification (germline): Pathogenic/Likely pathogenic. Review status: criteria provided, multiple submitters, no conflicts (2 of 4 stars). 4 submissions from 4 submitters: Pathogenic (2); Likely pathogenic (1). 1 of the submissions does not count toward it. Last evaluated 2022-06-01.
ClinVar aggregate classification (somatic clinical impact): Tier II - Potential (1 of 4 stars; one submission).

Conditions:
Kabuki syndrome 2 (KABUK2). Also called: KDM6A-Related Kabuki Syndrome. Identifiers: Orphanet 2322, MedGen C3275495, MONDO:0010465, OMIM 300867.
Medulloblastoma WNT activated. Identifiers: MedGen C4331965, MONDO:0850196.

Submissions (5):

Institute for Genomic Medicine (IGM) Clinical Laboratory, Nationwide Children's Hospital
Classification: Tier II - Potential for Medulloblastoma WNT activated. Assertion type: diagnostic. Clinical significance: supports diagnosis. Last evaluated: 2025-10-14. Review status: criteria provided, single submitter. Criteria: AMP/ASCO/CAP Guidelines, 2017. Collection method: clinical testing. Allele origin: somatic. Affected: yes.
Comment: Variant has Tier II (potential) clinical significance as a diagnostic inclusion criterion in medulloblastoma WNT activated, based on the following evidence: 1) Documented in one or more cancer databases (e.g., St. Jude Pecan, COSMIC, CIViC, OncoKB). 2) Information in the literature supports potential biologic effect of variant. 3) Diagnostic significance based on multiple small studies (Evidence Level C; PMIDs: 28726821, 23184418, 22832583, 22820256, 22722829).

CeGaT Center for Human Genetics Tuebingen
Classification: Pathogenic. Last evaluated: 2022-06-01. Review status: criteria provided, single submitter. Criteria: CeGaT Center For Human Genetics Tuebingen Variant Classification Criteria Version 2. Collection method: clinical testing. Allele origin: germline. Affected: yes. Observed: 1 variant allele.
Comment: KDM6A: PS2:Very Strong, PVS1, PM2

CENTOGENE GmbH and LLC - Guiding Precision Medicine
Classification: Pathogenic for Kabuki syndrome 2. Last evaluated: 2018-12-22. Review status: criteria provided, single submitter. Criteria: ACMG Guidelines, 2015. Collection method: clinical testing. Allele origin: germline. Affected: yes.

UCLA Clinical Genomics Center, UCLA
Classification: Likely pathogenic for Kabuki syndrome 2. Last evaluated: 2012-11-13. Review status: criteria provided, single submitter. Criteria: Lee et al. (JAMA. 2014). Collection method: clinical testing. Allele origin: germline. Inheritance: X-linked inheritance. Affected: yes. Study: CES.

Autoinflammatory diseases unit, CHU de Montpellier
Classification: Pathogenic for Kabuki syndrome 2. Last evaluated: 2016-06-10. Review status: no assertion criteria provided. Collection method: clinical testing. Allele origin: de novo. Affected: yes. Not counted in ClinVar's aggregate classification.

Literature cited by the submitters: PubMed 28726821 (cited by Institute for Genomic Medicine (IGM) Clinical Laboratory, Nationwide Children's Hospital); PubMed 23184418 (cited by Institute for Genomic Medicine (IGM) Clinical Laboratory, Nationwide Children's Hospital); PubMed 22832583 (cited by Institute for Genomic Medicine (IGM) Clinical Laboratory, Nationwide Children's Hospital); PubMed 22820256 (cited by Institute for Genomic Medicine (IGM) Clinical Laboratory, Nationwide Children's Hospital); PubMed 22722829 (cited by Institute for Genomic Medicine (IGM) Clinical Laboratory, Nationwide Children's Hospital).

NM_001291415.2(KDM6A):c.3991C>T (p.Arg1331Ter)

Gene: KDM6A (lysine demethylase 6A; plus strand). Cytogenetic location: Xp11.3.
Variant type: single nucleotide variant.
Coding change: c.3991C>T on transcript NM_001291415.2 (MANE Select); coding-DNA position 3991, C replaced by T.
Protein change: p.Arg1331Ter; replaces arginine 1331 with a stop codon.
Molecular consequence: nonsense. On other transcripts: non-coding transcript variant (1).
Genome position (GRCh38, 1-based): chrX:45,090,821, C>T. VCF-style: chrX-45090821-C-T. GRCh37 (hg19) VCF-style: chrX-44950066-C-T.
Other names: c.3856C>T, p.Arg1286Ter (NM_001291416.2); c.3700C>T, p.Arg1234Ter (NM_001291417.2); c.3598C>T, p.Arg1200Ter (NM_001291418.2); c.2947C>T, p.Arg983Ter (NM_001291421.2); c.3835C>T, p.Arg1279Ter (NM_021140.4); short protein forms R1279*, R1331*, R1200*, R1286*, R1234*, R983*.
Identifiers: ClinVar variation 216950 (VCV000216950.36), dbSNP rs863224886, ClinGen allele CA278963.